The following is an entry in ClinVar:

ClinVar aggregate classification (germline): Likely pathogenic (0 of 4 stars; one submission).

Conditions:
NR2F1-related disorder. Also called: NR2F1-related condition.

Submission:

PreventionGenetics, part of Exact Sciences
Classification: Likely pathogenic for NR2F1-related condition. Last evaluated: 2024-01-08. Review status: no assertion criteria provided. Collection method: clinical testing. Allele origin: germline.
Comment: The NR2F1 c.284G>A variant is predicted to result in the amino acid substitution p.Gly95Asp. To our knowledge, this variant has not been reported in the literature or in a large population database, indicating this variant is rare. An alternate substitution of this amino acid (p.Gly95Val) has been reported in an individual with Bosch-Boonstra-Schaaf optic atrophy syndrome﻿ (Rech et al. 2020. PubMed ID: 32275123, Table S1). Given the evidence, we interpret c.284G>A (p.Gly95Asp) as likely pathogenic.

NM_005654.6(NR2F1):c.284G>A (p.Gly95Asp)

Genes: NR2F1 (nuclear receptor subfamily 2 group F member 1; plus strand), NR2F1-AS1 (NR2F1 regulatory antisense RNA 1; minus strand). Cytogenetic location: 5q15.
Variant type: single nucleotide variant.
Coding change: c.284G>A on transcript NM_005654.6 (MANE Select); coding-DNA position 284, G replaced by A.
Protein change: p.Gly95Asp; replaces glycine 95 with aspartic acid.
Molecular consequence: missense variant.
Genome position (GRCh38, 1-based): chr5:93,585,307, G>A. VCF-style: chr5-93585307-G-A. GRCh37 (hg19) VCF-style: chr5-92921013-G-A.
Other names: short protein forms G95D.
Identifiers: ClinVar variation 3049842 (VCV003049842.2), dbSNP rs2149941577, ClinGen allele CA360525925.
Genomic context (GRCh38, chr5:93,585,307, plus strand): 5'-CCGGTTCGGGCCAGAGCCAGCAGCACATCGAGTGCGTGGTGTGCGGGGACAAGTCGAGCG[G>A]CAAGCACTACGGCCAATTCACCTGCGAGGGCTGCAAAAGTTTCTTCAAGAGGAGCGTCCG-3'
Protein context (NP_005645.1, residues 85-105): ECVVCGDKSS[Gly95Asp]KHYGQFTCEG